The following is an entry in ClinVar:

ClinVar aggregate classification (germline): Pathogenic (1 of 4 stars; one submission).

gnomAD v4.1: 6 of 1,610,600 alleles (0.00037%); highest among the groups gnomAD compares: South Asian, 0.0055%; no homozygotes.

Submission:

CeGaT Center for Human Genetics Tuebingen
Classification: Pathogenic. Last evaluated: 2024-07-01. Review status: criteria provided, single submitter. Criteria: CeGaT Center For Human Genetics Tuebingen Variant Classification Criteria Version 2. Collection method: clinical testing. Allele origin: germline. Affected: yes. Observed: 2 variant alleles.
Comment: C2: PVS1, PM2, PM3

NM_000063.6(C2):c.1215T>A (p.Tyr405Ter)

Genes: C2 (complement C2; plus strand), C2-AS1 (C2 antisense RNA 1; minus strand). Cytogenetic location: 6p21.33.
Variant type: single nucleotide variant.
Coding change: c.1215T>A on transcript NM_000063.6 (MANE Select); coding-DNA position 1215, T replaced by A.
Protein change: p.Tyr405Ter; replaces tyrosine 405 with a stop codon.
Molecular consequence: nonsense.
Genome position (GRCh38, 1-based): chr6:31,939,316, T>A. VCF-style: chr6-31939316-T-A. GRCh37 (hg19) VCF-style: chr6-31907093-T-A.
Other names: c.819T>A, p.Tyr273Ter (NM_001145903.3); c.573T>A, p.Tyr191Ter (NM_001178063.3); c.477T>A, p.Tyr159Ter (NM_001282457.2); c.1128T>A, p.Tyr376Ter (NM_001282458.2); short protein forms Y159*, Y191*, Y273*, Y376*, Y405*.
Identifiers: ClinVar variation 3257316 (VCV003257316.17).